The following is an entry in ClinVar:

ClinVar aggregate classification (germline): Uncertain significance (1 of 4 stars; one submission).

Conditions:
BRCA1-related cancer predisposition. Identifiers: MedGen CN377757, MONDO:0700268.

Submission:

All of Us Research Program, National Institutes of Health
Classification: Uncertain significance for BRCA1-related cancer predisposition. Last evaluated: 2024-08-23. Review status: criteria provided, single submitter. Criteria: ACMG Guidelines, 2015. Collection method: clinical testing. Allele origin: germline. Inheritance: Autosomal dominant inheritance. Observed: 1 variant allele, 1 heterozygote.
Comment: This missense variant replaces isoleucine with methionine at codon 1391 of the BRCA1 protein. Computational prediction is inconclusive regarding the impact of this variant on protein structure and function. To our knowledge, functional studies have not been reported for this variant. This variant has been reported in an individual affected with breast cancer (PMID: 28664449). This variant has not been identified in the general population by the Genome Aggregation Database (gnomAD). The available evidence is insufficient to determine the role of this variant in disease conclusively. Therefore, this variant is classified as a Variant of Uncertain Significance.

This study involves interpretation of variants in research participants for the purpose of population health screening. Participant phenotype was not available at the time of variant classification. Additional details can be found in publication PMID: 35346344, PMCID: PMC8962531

Literature cited by the submitters: PubMed 28664449.

NM_007294.4(BRCA1):c.4173T>G (p.Ile1391Met)

Gene: BRCA1 (BRCA1 DNA repair associated; minus strand). Cytogenetic location: 17q21.31.
Variant type: single nucleotide variant.
Coding change: c.4173T>G on transcript NM_007294.4 (MANE Select); coding-DNA position 4173, T replaced by G.
Protein change: p.Ile1391Met; replaces isoleucine 1391 with methionine.
Molecular consequence: missense variant.
Genome position (GRCh38, 1-based): chr17:43,090,956, A>C on the plus strand (T>G on the coding strand, the complement: BRCA1 is on the minus strand). VCF-style: chr17-43090956-A-C. GRCh37 (hg19) VCF-style: chr17-41242973-A-C.
Other names: c.3960T>G, p.Ile1320Met (NM_001407571.1, NM_001407853.1, NM_001407894.1 and 9 more transcripts); c.4173T>G, p.Ile1391Met (NM_001407581.1, NM_001407582.1, NM_001407583.1 and 30 more transcripts); c.4170T>G, p.Ile1390Met (NM_001407587.1, NM_001407590.1, NM_001407591.1 and 22 more transcripts); c.4164T>G, p.Ile1388Met (NM_001407646.1, NM_001407647.1); c.4050T>G, p.Ile1350Met (NM_001407648.1, NM_001407664.1, NM_001407665.1 and 19 more transcripts); c.4047T>G, p.Ile1349Met (NM_001407649.1, NM_001407670.1, NM_001407671.1 and 11 more transcripts); c.4095T>G, p.Ile1365Met (NM_001407653.1, NM_001407654.1, NM_001407655.1 and 4 more transcripts); c.4092T>G, p.Ile1364Met (NM_001407659.1, NM_001407660.1, NM_001407661.1 and 1 more transcripts); and 41 more; short protein forms I1095M, I120M, I1223M, I1263M, I1264M, I1279M, I1280M, I1302M.
Identifiers: ClinVar variation 3386182 (VCV003386182.1).